The following is an entry in ClinVar:

NM_153026.3(PRICKLE1):c.8del (p.Leu3fs)

Gene: PRICKLE1 (prickle planar cell polarity protein 1; minus strand). Cytogenetic location: 12q12.
Variant type: Deletion.
Coding change: c.8del on transcript NM_153026.3 (MANE Select); coding-DNA position 8, one base deleted (T; older notation c.8delT).
Protein change: p.Leu3fs; shifts the reading frame from leucine 3.
Molecular consequence: frameshift variant.
Genome position (GRCh38, 1-based): chr12:42,472,509, A deleted on the plus strand (T on the coding strand, the reverse complement: PRICKLE1 is on the minus strand); the first of 3 consecutive A bases (chr12:42,472,509-42,472,511); deleting any one gives the same sequence. VCF-style (leftmost placement, unchanged base first): chr12-42472508-CA-C. GRCh37 (hg19) VCF-style: chr12-42866310-CA-C.
Other names: c.8del, p.Leu3fs (NM_001144881.2, NM_001144882.2, NM_001144883.2); short protein forms L3fs.
Identifiers: ClinVar variation 206674 (VCV000206674.4), dbSNP rs754532709, ClinGen allele CA317002.

ClinVar aggregate classification (germline): Uncertain significance. Review status: criteria provided, multiple submitters, no conflicts (2 of 4 stars). 2 submissions from 2 submitters: Uncertain significance (2). Last evaluated 2022-06-13.

Conditions:
Epilepsy, progressive myoclonic, 1B. Also called: PME. Identifiers: Orphanet 308, MedGen C2676254, MONDO:0012904, OMIM 612437.

Submissions (2):

Labcorp Genetics (formerly Invitae), Labcorp
Classification: Uncertain significance for Epilepsy, progressive myoclonic, 1B. Last evaluated: 2022-06-13. Review status: criteria provided, single submitter. Criteria: Invitae Variant Classification Sherloc (09022015). Collection method: clinical testing. Allele origin: germline.
Comment: This sequence change creates a premature translational stop signal (p.Leu3Trpfs*7) in the PRICKLE1 gene. It is expected to result in an absent or disrupted protein product. However, the current clinical and genetic evidence is not sufficient to establish whether loss-of-function variants in PRICKLE1 cause disease. This variant is present in population databases (rs754532709, gnomAD 0.006%). This variant has not been reported in the literature in individuals affected with PRICKLE1-related conditions. ClinVar contains an entry for this variant (Variation ID: 206674). In summary, the available evidence is currently insufficient to determine the role of this variant in disease. Therefore, it has been classified as a Variant of Uncertain Significance.

GeneDx
Classification: Uncertain significance. Last evaluated: 2015-01-07. Review status: criteria provided, single submitter. Criteria: GeneDx Variant Classification (06012015). Collection method: clinical testing. Allele origin: germline. Affected: yes.
Comment: c.8delT: p.Leu3TrpfsX7 (L3WfsX7) in exon 2 of the PRICKLE1 gene (NM_153026.2). The normal sequence with the base that is deleted in braces is: CCTT{T}GGAG. The c.8delT variant has not been published as a mutation, nor has it been reported as a benign polymorphism to our knowledge. It was not observed in approximately 6,500 individuals of European and African American ancestry in the NHLBI Exome Sequencing Project, indicating it is not a common benign variant in these populations. The c.8delT variant causes a frameshift starting with codon Leucine 3, changes this amino acid to a Tryptophan residue and creates a premature Stop codon at position 7 of the new reading frame, denoted p.Leu3TrpfsX7. This variant is predicted to cause loss of normal protein function either through protein truncation or nonsense-mediated mRNA decay. However, frameshift mutations in PRICKLE1 in association with epilepsy have not been reported. Therefore, based on the currently available information, it is unclear whether this variant is a pathogenic mutation or a rare benign variant. The variant is found in EPILEPSYV2-1 panel(s).